The following is an entry in ClinVar:

NM_020877.5(DNAH2):c.5590G>T (p.Val1864Leu)

Gene: DNAH2 (dynein axonemal heavy chain 2; plus strand). Cytogenetic location: 17p13.1.
Variant type: single nucleotide variant.
Coding change: c.5590G>T on transcript NM_020877.5 (MANE Select); coding-DNA position 5590, G replaced by T.
Protein change: p.Val1864Leu; replaces valine 1864 with leucine.
Molecular consequence: missense variant.
Genome position (GRCh38, 1-based): chr17:7,779,291, G>T. VCF-style: chr17-7779291-G-T. GRCh37 (hg19) VCF-style: chr17-7682609-G-T.
Other names: short protein forms V1864L.
Identifiers: ClinVar variation 5018869 (VCV005018869.2).
Genomic context (GRCh38, chr17:7,779,291, plus strand): 5'-TGCACCCCGCAGACTGGAGCTTGGGGCTGCTTTGATGAGTTTAACCGCATCAACATCGAG[G>T]TGCTGTCAGTGGTGGCCCACCAGATCCTGTGCATCCTGTCTGCCCTGGCTGCCGGCCTCA-3'
Protein context (NP_065928.2, residues 1854-1874): FDEFNRINIE[Val1864Leu]LSVVAHQILC

ClinVar aggregate classification (germline): Uncertain significance (1 of 4 stars; one submission).

Conditions:
Spermatogenic failure 45. Identifiers: MedGen C5436791, MONDO:0033671, OMIM 619094.

gnomAD v4.1: 6 of 1,614,192 alleles (0.00037%); highest among the groups gnomAD compares: South Asian, 0.0055%; no homozygotes.

Submission:

Juno Genomics, Hangzhou Juno Genomics, Inc
Classification: Uncertain significance for Spermatogenic failure 45. Review status: criteria provided, single submitter. Criteria: ACMG Guidelines, 2015. Collection method: clinical testing. Allele origin: germline.
Comment: Absent from controls (or at extremely low frequency if recessive) in Genome Aggregation Database.;Missense variant in a gene that has a low rate of benign missense variation.